The following is an entry in ClinVar:

NM_001130438.3(SPTAN1):c.5924C>G (p.Ala1975Gly)

Gene: SPTAN1 (spectrin alpha, non-erythrocytic 1; plus strand). Cytogenetic location: 9q34.11.
Variant type: single nucleotide variant.
Coding change: c.5924C>G on transcript NM_001130438.3 (MANE Select); coding-DNA position 5924, C replaced by G.
Protein change: p.Ala1975Gly; replaces alanine 1975 with glycine.
Molecular consequence: missense variant.
Genome position (GRCh38, 1-based): chr9:128,624,419, C>G. VCF-style: chr9-128624419-C-G. GRCh37 (hg19) VCF-style: chr9-131386698-C-G.
Other names: c.5849C>G, p.Ala1950Gly (NM_001195532.2); c.5924C>G, p.Ala1975Gly (NM_001363759.2); c.5864C>G, p.Ala1955Gly (NM_001363765.2); c.5909C>G, p.Ala1970Gly (NM_003127.4); short protein forms A1975G, A1950G, A1955G, A1970G.
Identifiers: ClinVar variation 590150 (VCV000590150.17), dbSNP rs772780483, ClinGen allele CA5265594.

ClinVar aggregate classification (germline): Conflicting classifications of pathogenicity. Review status: criteria provided, conflicting classifications (1 of 4 stars). 3 submissions from 3 submitters: Uncertain significance (2); Likely benign (1). Last evaluated 2022-08-09.

Conditions:
Early-infantile DEE. Also called: Early infantile epileptic encephalopathy; Ohtahara syndrome; Early infantile epileptic encephalopathy with suppression bursts. Identifiers: Orphanet 1934, MedGen C0393706, MONDO:0800491.
Inborn genetic diseases. Identifiers: MedGen C0950123, MeSH D030342.
Developmental and epileptic encephalopathy, 5 (DEE5). Identifiers: Orphanet 3451, MedGen C3150731, MONDO:0013277, OMIM 613477.

Allele frequency attached by ClinVar (database versions not stated): TOPMed 0.00003.
gnomAD v4.1: 19 of 1,613,840 alleles (0.0012%); highest among the groups gnomAD compares: Non-Finnish European, 0.0016%; no homozygotes.

Submissions (3):

Labcorp Genetics (formerly Invitae), Labcorp
Classification: Uncertain significance for Early-infantile DEE. Last evaluated: 2022-08-09. Review status: criteria provided, single submitter. Criteria: Invitae Variant Classification Sherloc (09022015). Collection method: clinical testing. Allele origin: germline.
Comment: In summary, the available evidence is currently insufficient to determine the role of this variant in disease. Therefore, it has been classified as a Variant of Uncertain Significance. Algorithms developed to predict the effect of missense changes on protein structure and function (SIFT, PolyPhen-2, Align-GVGD) all suggest that this variant is likely to be tolerated. This sequence change replaces alanine, which is neutral and non-polar, with glycine, which is neutral and non-polar, at codon 1975 of the SPTAN1 protein (p.Ala1975Gly). ClinVar contains an entry for this variant (Variation ID: 590150). This variant has not been reported in the literature in individuals affected with SPTAN1-related conditions. This variant is present in population databases (rs772780483, gnomAD 0.0009%).

Genome-Nilou Lab
Classification: Uncertain significance for Developmental and epileptic encephalopathy, 5. Last evaluated: 2021-07-15. Review status: criteria provided, single submitter. Criteria: ACMG Guidelines, 2015. Collection method: clinical testing. Allele origin: germline. Affected: no.

Ambry Genetics
Classification: Likely benign for Inborn genetic diseases. Last evaluated: 2017-08-22. Review status: criteria provided, single submitter. Criteria: Ambry Variant Classification Scheme 2023. Collection method: clinical testing. Allele origin: germline.

Literature cited by the submitters: PubMed 20228407 (cited by Ambry Genetics).